The following is an entry in ClinVar:

NM_020975.6(RET):c.2977G>A (p.Asp993Asn)

Gene: RET (ret proto-oncogene; plus strand). Cytogenetic location: 10q11.21.
Variant type: single nucleotide variant.
Coding change: c.2977G>A on transcript NM_020975.6 (MANE Select); coding-DNA position 2977, G replaced by A.
Protein change: p.Asp993Asn; replaces aspartic acid 993 with asparagine.
Molecular consequence: missense variant.
Genome position (GRCh38, 1-based): chr10:43,124,920, G>A. VCF-style: chr10-43124920-G-A. GRCh37 (hg19) VCF-style: chr10-43620368-G-A.
Other names: c.2977G>A, p.Asp993Asn (NM_020630.7, NM_001406743.1, NM_001406744.1 and 2 more transcripts); c.1792G>A, p.Asp598Asn (NM_001406788.1, NM_001406789.1, NM_001406790.1); c.1672G>A, p.Asp558Asn (NM_001406791.1); c.1528G>A, p.Asp510Asn (NM_001406792.1, NM_001406793.1, NM_001406794.1); c.2215G>A, p.Asp739Asn (NM_001355216.2); c.2848G>A, p.Asp950Asn (NM_001406761.1, NM_001406762.1, NM_001406764.1); c.2842G>A, p.Asp948Asn (NM_001406763.1, NM_001406765.1); c.2689G>A, p.Asp897Asn (NM_001406766.1, NM_001406767.1, NM_001406770.1); and 10 more; short protein forms D651N, D739N, D818N, D950N, D598N, D654N, D694N, D897N.
Identifiers: ClinVar variation 3652250 (VCV003652250.2).

ClinVar aggregate classification (germline): Uncertain significance (1 of 4 stars; one submission).

Conditions:
Multiple endocrine neoplasia, type 2 (MEN2). Identifiers: Orphanet 653, MedGen C4048306, MONDO:0019003. Disease mechanism: gain of function.

Submission:

Labcorp Genetics (formerly Invitae), Labcorp
Classification: Uncertain significance for Multiple endocrine neoplasia, type 2. Last evaluated: 2024-05-06. Review status: criteria provided, single submitter. Criteria: Invitae Variant Classification Sherloc (09022015). Collection method: clinical testing. Allele origin: germline.
Comment: This sequence change replaces aspartic acid, which is acidic and polar, with asparagine, which is neutral and polar, at codon 993 of the RET protein (p.Asp993Asn). This variant is not present in population databases (gnomAD no frequency). This variant has not been reported in the literature in individuals affected with RET-related conditions. An algorithm developed to predict the effect of missense changes on protein structure and function (PolyPhen-2) suggests that this variant is likely to be tolerated. In summary, the available evidence is currently insufficient to determine the role of this variant in disease. Therefore, it has been classified as a Variant of Uncertain Significance.